The following is an entry in ClinVar:

ClinVar aggregate classification (germline): Conflicting classifications of pathogenicity. Review status: criteria provided, conflicting classifications (1 of 4 stars). 3 submissions from 2 submitters: Uncertain significance (2); Benign (1). Last evaluated 2018-01-13.

Conditions:
Autosomal dominant nonsyndromic hearing loss 6 (LFSNHL). Also called: DEAFNESS, AUTOSOMAL DOMINANT 6; DEAFNESS, AUTOSOMAL DOMINANT 14; DEAFNESS, AUTOSOMAL DOMINANT 38; Autosomal dominant nonsyndromic deafness 6; DIDMOAD (Diabetes Insipidus, Diabetes Mellitus, Optic Atrophy, and Deafness). Identifiers: Orphanet 90635, MedGen C1833021, MONDO:0010963, OMIM 600965.
Wolfram syndrome 1 (WFS1). Identifiers: Orphanet 3463, MedGen C4551693, MONDO:0009101, OMIM 222300.
WFS1-Related Spectrum Disorders.

Allele frequency attached by ClinVar (database versions not stated): gnomAD 0.00023 and 0.00024; TOPMed 0.00026; gnomAD exomes 0.00030.
gnomAD v4.1: 48 of 190,610 alleles (0.025%); highest among the groups gnomAD compares: Admixed American, 0.053%; no homozygotes.

Submissions (3):

Illumina Laboratory Services, Illumina
Classification: Uncertain significance for Autosomal dominant nonsyndromic hearing loss 6. Last evaluated: 2018-01-13. Review status: criteria provided, single submitter. Criteria: ICSL Variant Classification Criteria 13 December 2019. Collection method: clinical testing. Allele origin: germline.

Illumina Laboratory Services, Illumina
Classification: Uncertain significance for WFS1-Related Spectrum Disorders. Last evaluated: 2018-01-13. Review status: criteria provided, single submitter. Criteria: ICSL Variant Classification Criteria 13 December 2019. Collection method: clinical testing. Allele origin: germline.

Clinical Genomics, Uppaluri K&H Personalized Medicine Clinic
Classification: Benign for Wolfram syndrome 1. Review status: criteria provided, single submitter. Criteria: K & H Uppaluri Personalized Medicine Clinic Variant Classification & Assertion Criteria_Updated V.1. Collection method: research. Allele origin: unknown. Inheritance: Autosomal recessive inheritance.
Comment: Potent mutations in WFS1 gene are associated with Wolfram's syndrome, an autosomal recessive condition, which cause diabetes mellitus, diabetes insipidus, deafness and optic atrophy.However no sufficient evidence is found to ascertain the role of this particular variant rs756674774 in Wolfram's syndrome yet.

Literature cited by the submitters: PubMed 20738327 (cited by Clinical Genomics, Uppaluri K&H Personalized Medicine Clinic); PubMed 33879153 (cited by Clinical Genomics, Uppaluri K&H Personalized Medicine Clinic); PubMed 12955714 (cited by Clinical Genomics, Uppaluri K&H Personalized Medicine Clinic); PubMed 18060660 (cited by Clinical Genomics, Uppaluri K&H Personalized Medicine Clinic); PubMed 20301750 (cited by Clinical Genomics, Uppaluri K&H Personalized Medicine Clinic); PubMed 17603484 (cited by Clinical Genomics, Uppaluri K&H Personalized Medicine Clinic).

NM_006005.3(WFS1):c.*455A>G

Gene: WFS1 (wolframin ER transmembrane glycoprotein; plus strand). Cytogenetic location: 4p16.1.
Variant type: single nucleotide variant.
Coding change: c.*455A>G on transcript NM_006005.3 (MANE Select); 455 bases downstream of the stop codon, A replaced by G.
Molecular consequence: 3 prime UTR variant.
Genome position (GRCh38, 1-based): chr4:6,302,923, A>G. VCF-style: chr4-6302923-A-G. GRCh37 (hg19) VCF-style: chr4-6304650-A-G.
Other names: c.*455A>G (NM_001145853.1).
Identifiers: ClinVar variation 905899 (VCV000905899.5), dbSNP rs756674774, ClinGen allele CA91798322.